The following is an entry in ClinVar:

NM_000329.3(RPE65):c.1339-2A>G

Gene: RPE65 (retinoid isomerohydrolase RPE65; minus strand). Cytogenetic location: 1p31.3.
Variant type: single nucleotide variant.
Coding change: c.1339-2A>G on transcript NM_000329.3 (MANE Select); the canonical splice acceptor site of the intron before coding-DNA position 1339, A replaced by G.
Molecular consequence: splice acceptor variant.
Genome position (GRCh38, 1-based): chr1:68,431,178, T>C on the plus strand (A>G on the coding strand, the complement: RPE65 is on the minus strand). VCF-style: chr1-68431178-T-C. GRCh37 (hg19) VCF-style: chr1-68896861-T-C.
Other names: c.1063-2A>G (NM_001406857.1, NM_001406856.1); c.1231-2A>G (NM_001406853.1).
Identifiers: ClinVar variation 2929212 (VCV002929212.3), dbSNP rs1645823354, ClinGen allele CA340742329.

ClinVar aggregate classification (germline): Likely pathogenic (1 of 4 stars; one submission).

Conditions:
Retinitis pigmentosa 20 (RP20). Identifiers: Orphanet 791, MedGen C3151086, MONDO:0013425, OMIM 613794.
Leber congenital amaurosis 2 (LCA2). Also called: AMAUROSIS CONGENITA OF LEBER II; Autosomal Recessive RPE65-Related Retinal Degeneration. Identifiers: Orphanet 65, MedGen C1859844, MONDO:0008765, OMIM 204100. Disease mechanism: loss of function.

Allele frequency attached by ClinVar (database versions not stated): gnomAD exomes below 0.00001; TOPMed 0.00001.
gnomAD v4.1: 3 of 1,613,628 alleles (0.00019%); highest among the groups gnomAD compares: African/African-American, 0.0027%; no homozygotes.

Submission:

Labcorp Genetics (formerly Invitae), Labcorp
Classification: Likely pathogenic for Leber congenital amaurosis 2; Retinitis pigmentosa 20. Last evaluated: 2025-10-26. Review status: criteria provided, single submitter. Criteria: Invitae Variant Classification Sherloc (09022015). Collection method: clinical testing. Allele origin: germline.
Comment: This sequence change affects an acceptor splice site in intron 12 of the RPE65 gene. It is expected to disrupt RNA splicing. Variants that disrupt the donor or acceptor splice site typically lead to a loss of protein function (PMID: 16199547), and loss-of-function variants in RPE65 are known to be pathogenic (PMID: 9326941, 9501220, 9843205, 18632300). This variant is not present in population databases (gnomAD no frequency). This variant has not been reported in the literature in individuals affected with RPE65-related conditions. ClinVar contains an entry for this variant (Variation ID: 2929212). Algorithms developed to predict the effect of sequence changes on RNA splicing suggest that this variant may disrupt the consensus splice site. In summary, the currently available evidence indicates that the variant is pathogenic, but additional data are needed to prove that conclusively. Therefore, this variant has been classified as Likely Pathogenic.

Literature cited by the submitters: PubMed 16199547; PubMed 9326941; PubMed 9501220; PubMed 9843205; PubMed 18632300.